The following is an entry in ClinVar:

NM_006734.4(HIVEP2):c.240A>T (p.Ala80=)

Gene: HIVEP2 (HIVEP zinc finger 2; minus strand). Cytogenetic location: 6q24.2.
Variant type: single nucleotide variant.
Coding change: c.240A>T on transcript NM_006734.4 (MANE Select); coding-DNA position 240, A replaced by T.
Protein change: p.Ala80=; no amino-acid change (alanine 80 retained).
Molecular consequence: synonymous variant.
Genome position (GRCh38, 1-based): chr6:142,774,499, T>A on the plus strand (A>T on the coding strand, the complement: HIVEP2 is on the minus strand). VCF-style: chr6-142774499-T-A. GRCh37 (hg19) VCF-style: chr6-143095636-T-A.
Identifiers: ClinVar variation 2080707 (VCV002080707.28), dbSNP rs140742145, ClinGen allele CA4028779.

ClinVar aggregate classification (germline): Benign/Likely benign. Review status: criteria provided, multiple submitters, no conflicts (2 of 4 stars). 2 submissions from 2 submitters: Benign (1); Likely benign (1). Last evaluated 2026-01-21.

Allele frequency attached by ClinVar (database versions not stated): ExAC 0.00041; gnomAD 0.00092; ESP Exome Variant Server 0.00094; TOPMed 0.00104; 1000 Genomes Project 0.00120; 1000 Genomes Project 30x 0.00125.
gnomAD v4.1: 394 of 1,614,166 alleles (0.024%); highest among the groups gnomAD compares: African/African-American, 0.31%; 1 homozygote.

Submissions (2):

Labcorp Genetics (formerly Invitae), Labcorp
Classification: Benign. Last evaluated: 2026-01-21. Review status: criteria provided, single submitter. Criteria: Invitae Variant Classification Sherloc (09022015). Collection method: clinical testing. Allele origin: germline.

CeGaT Center for Human Genetics Tuebingen
Classification: Likely benign. Last evaluated: 2025-09-01. Review status: criteria provided, single submitter. Criteria: CeGaT Center For Human Genetics Tuebingen Variant Classification Criteria Version 2. Collection method: clinical testing. Allele origin: germline. Affected: yes. Observed: 3 variant alleles.
Comment: HIVEP2: BP4, BP7